The following is an entry in ClinVar:

ClinVar aggregate classification (germline): Uncertain significance (1 of 4 stars; one submission).

Conditions:
Inborn genetic diseases. Identifiers: MedGen C0950123, MeSH D030342.

Allele frequency attached by ClinVar (database versions not stated): 1000 Genomes Project 30x 0.00047.
gnomAD v4.1: 3 of 1,601,374 alleles (0.00019%); highest among the groups gnomAD compares: Admixed American, 0.005%; no homozygotes.

Submission:

Ambry Genetics
Classification: Uncertain significance for Inborn genetic diseases. Last evaluated: 2021-04-20. Review status: criteria provided, single submitter. Criteria: Ambry Variant Classification Scheme 2023. Collection method: clinical testing. Allele origin: germline.
Comment: The c.440G>T (p.G147V) alteration is located in coding exon 2 of the NKX2-1 gene. This alteration results from a G to T substitution at nucleotide position 440, causing the glycine (G) at amino acid position 147 to be replaced by a valine (V). Based on data from the Genome Aggregation Database (gnomAD) database, the NKX2-1 c.440G>T alteration was observed in 0.0009% (2/234912) of total alleles studied, with a frequency of 0.01% (2/34258) in the Latino subpopulation. The p.G147 amino acid is not conserved in available vertebrate species. The p.G147V alteration is predicted to be tolerated by in silico analysis. Based on insufficient or conflicting evidence, the clinical significance of this alteration remains unclear.

NM_001079668.3(NKX2-1):c.530G>T (p.Gly177Val)

Genes: NKX2-1 (NK2 homeobox 1; minus strand), SFTA3 (surfactant associated 3; minus strand). Cytogenetic location: 14q13.3.
Variant type: single nucleotide variant.
Coding change: c.530G>T on transcript NM_001079668.3 (MANE Select); coding-DNA position 530, G replaced by T.
Protein change: p.Gly177Val; replaces glycine 177 with valine.
Molecular consequence: missense variant.
Genome position (GRCh38, 1-based): chr14:36,517,954, C>A on the plus strand (G>T on the coding strand, the complement: NKX2-1 is on the minus strand). VCF-style: chr14-36517954-C-A. GRCh37 (hg19) VCF-style: chr14-36987159-C-A.
Other names: c.440G>T, p.Gly147Val (NM_003317.4); short protein forms G177V, G147V.
Identifiers: ClinVar variation 2216736 (VCV002216736.2), dbSNP rs201057772, ClinGen allele CA7158483.